The following is an entry in ClinVar:

ClinVar aggregate classification (germline): Uncertain significance (1 of 4 stars; one submission).

Allele frequency attached by ClinVar (database versions not stated): gnomAD exomes below 0.00001.
gnomAD v4.1: 2 of 1,254,738 alleles (0.00016%); highest among the groups gnomAD compares: Non-Finnish European, 0.0002%; no homozygotes.

Submission:

Labcorp Genetics (formerly Invitae), Labcorp
Classification: Uncertain significance. Last evaluated: 2022-08-31. Review status: criteria provided, single submitter. Criteria: Invitae Variant Classification Sherloc (09022015). Collection method: clinical testing. Allele origin: germline.
Comment: This variant is not present in population databases (gnomAD no frequency). This variant has not been reported in the literature in individuals affected with GATA5-related conditions. ClinVar contains an entry for this variant (Variation ID: 1493485). Algorithms developed to predict the effect of missense changes on protein structure and function are either unavailable or do not agree on the potential impact of this missense change (SIFT: "Deleterious"; PolyPhen-2: "Possibly Damaging"; Align-GVGD: "Class C0"). In summary, the available evidence is currently insufficient to determine the role of this variant in disease. Therefore, it has been classified as a Variant of Uncertain Significance. This sequence change replaces proline, which is neutral and non-polar, with threonine, which is neutral and polar, at codon 62 of the GATA5 protein (p.Pro62Thr).

NM_080473.5(GATA5):c.184C>A (p.Pro62Thr)

Gene: GATA5 (GATA binding protein 5; minus strand). Cytogenetic location: 20q13.33.
Variant type: single nucleotide variant.
Coding change: c.184C>A on transcript NM_080473.5 (MANE Select); coding-DNA position 184, C replaced by A.
Protein change: p.Pro62Thr; replaces proline 62 with threonine.
Molecular consequence: missense variant.
Genome position (GRCh38, 1-based): chr20:62,475,338, G>T on the plus strand (C>A on the coding strand, the complement: GATA5 is on the minus strand). VCF-style: chr20-62475338-G-T. GRCh37 (hg19) VCF-style: chr20-61050394-G-T.
Other names: short protein forms P62T.
Identifiers: ClinVar variation 1493485 (VCV001493485.6), dbSNP rs2146490671, ClinGen allele CA409557534.
Genomic context (GRCh38, chr20:62,475,338, plus strand): 5'-GGTGCGGACTGCCCGGGCCGAAGGCCGACGAATCCGCGGTGGCTGTCTGCGCCCAGCCGG[G>T]GCGCGCAGCGAGCTCGGGGGGCTGCGGGCTCGGCTCACACCCGGACAGGTAGGACAGCAT-3'
Protein context (NP_536721.1, residues 52-72): SPQPPELAAR[Pro62Thr]GWAQTATADS